The following is an entry in ClinVar:

ClinVar aggregate classification (germline): Uncertain significance (1 of 4 stars; one submission).

gnomAD v4.1: 14 of 1,612,966 alleles (0.00087%); highest among the groups gnomAD compares: African/African-American, 0.011%; no homozygotes.

Submission:

Greenwood Genetic Center Diagnostic Laboratories, Greenwood Genetic Center
Classification: Uncertain significance. Last evaluated: 2025-02-26. Review status: criteria provided, single submitter. Criteria: ACMG Guidelines, 2015. Collection method: clinical testing. Allele origin: germline.
Comment: PM2, BP4

NM_015512.5(DNAH1):c.2259G>A (p.Lys753=)

Gene: DNAH1 (dynein axonemal heavy chain 1; plus strand). Cytogenetic location: 3p21.1.
Variant type: single nucleotide variant.
Coding change: c.2259G>A on transcript NM_015512.5 (MANE Select); coding-DNA position 2259, G replaced by A.
Protein change: p.Lys753=; no amino-acid change (lysine 753 retained).
Molecular consequence: synonymous variant.
Genome position (GRCh38, 1-based): chr3:52,349,040, G>A. VCF-style: chr3-52349040-G-A. GRCh37 (hg19) VCF-style: chr3-52383056-G-A.
Identifiers: ClinVar variation 4850840 (VCV004850840.1).
Genomic context (GRCh38, chr3:52,349,040, plus strand): 5'-TGCCAGTGCCGTGTCCAAGGCCATGATCCCACTGCAGGCCTACGCCAAGGAGTACCGAAA[G>A]TACCTGGAGCTGAACAACAATGACATTGCCTCCTTTCTCAAGTGCGTACGTGTGCCCATG-3'
Protein context (NP_056327.4, residues 743-763): PLQAYAKEYR[Lys753=]YLELNNNDIA